The following is an entry in ClinVar:

NM_173354.5(SIK1):c.2114G>A (p.Gly705Glu)

Gene: SIK1 (salt inducible kinase 1; minus strand). Cytogenetic location: 21q22.3.
Variant type: single nucleotide variant.
Coding change: c.2114G>A on transcript NM_173354.5 (MANE Select); coding-DNA position 2114, G replaced by A.
Protein change: p.Gly705Glu; replaces glycine 705 with glutamic acid.
Molecular consequence: missense variant.
Genome position (GRCh38, 1-based): chr21:43,416,980, C>T on the plus strand (G>A on the coding strand, the complement: SIK1 is on the minus strand). VCF-style: chr21-43416980-C-T. GRCh37 (hg19) VCF-style: chr21-44836860-C-T.
Other names: c.2114G>A (NM_173354.3); short protein forms G705E.
Identifiers: ClinVar variation 1063221 (VCV001063221.10), dbSNP rs1283951144, ClinGen allele CA410606626.

ClinVar aggregate classification (germline): Uncertain significance. Review status: criteria provided, multiple submitters, no conflicts (2 of 4 stars). 2 submissions from 2 submitters: Uncertain significance (2). Last evaluated 2025-02-07.

Conditions:
Inborn genetic diseases. Identifiers: MedGen C0950123, MeSH D030342.
Developmental and epileptic encephalopathy, 30 (DEE30). Also called: Epileptic encephalopathy, early infantile, 30. Identifiers: MedGen C4225360, MONDO:0014595, OMIM 616341.

Allele frequency attached by ClinVar (database versions not stated): gnomAD exomes 0.00002.

Submissions (2):

Ambry Genetics
Classification: Uncertain significance for Inborn genetic diseases. Last evaluated: 2025-02-07. Review status: criteria provided, single submitter. Criteria: Ambry Variant Classification Scheme 2023. Collection method: clinical testing. Allele origin: germline.

Labcorp Genetics (formerly Invitae), Labcorp
Classification: Uncertain significance for Developmental and epileptic encephalopathy, 30. Last evaluated: 2024-04-24. Review status: criteria provided, single submitter. Criteria: Invitae Variant Classification Sherloc (09022015). Collection method: clinical testing. Allele origin: germline.
Comment: This sequence change replaces glycine, which is neutral and non-polar, with glutamic acid, which is acidic and polar, at codon 705 of the SIK1 protein (p.Gly705Glu). This variant is present in population databases (no rsID available, gnomAD 0.007%). This variant has not been reported in the literature in individuals affected with SIK1-related conditions. ClinVar contains an entry for this variant (Variation ID: 1063221). Advanced modeling of protein sequence and biophysical properties (such as structural, functional, and spatial information, amino acid conservation, physicochemical variation, residue mobility, and thermodynamic stability) performed at Invitae indicates that this missense variant is not expected to disrupt SIK1 protein function with a negative predictive value of 95%. In summary, the available evidence is currently insufficient to determine the role of this variant in disease. Therefore, it has been classified as a Variant of Uncertain Significance.